The following is an entry in ClinVar:

ClinVar aggregate classification (germline): Likely pathogenic (1 of 4 stars; one submission).

Conditions:
Congenital myasthenic syndrome 13 (CMS13). Also called: Myasthenic syndrome, congenital, with tubular aggregates 2; Myasthenic syndrome, congenital, 13, with tubular aggregates. Identifiers: Orphanet 353327, Orphanet 590, MedGen C3553645, MONDO:0013883, OMIM 614750.
DPAGT1-congenital disorder of glycosylation. Also called: CONGENITAL DISORDER OF GLYCOSYLATION, TYPE Ij; CDG Ij; DPAGT1-CDG. Identifiers: Orphanet 86309, MedGen C2931004, MONDO:0011964, OMIM 608093.

Submission:

Labcorp Genetics (formerly Invitae), Labcorp
Classification: Likely pathogenic for Congenital myasthenic syndrome 13; DPAGT1-congenital disorder of glycosylation. Last evaluated: 2025-09-29. Review status: criteria provided, single submitter. Criteria: Invitae Variant Classification Sherloc (09022015). Collection method: clinical testing. Allele origin: germline.
Comment: This sequence change affects a donor splice site in intron 2 of the DPAGT1 gene. It is expected to disrupt RNA splicing. Variants that disrupt the donor or acceptor splice site typically lead to a loss of protein function (PMID: 16199547), and loss-of-function variants in DPAGT1 are known to be pathogenic (PMID: 22742743). This variant is present in population databases (rs758896027, gnomAD 0.004%). This variant has not been reported in the literature in individuals affected with DPAGT1-related conditions. Algorithms developed to predict the effect of sequence changes on RNA splicing suggest that this variant may disrupt the consensus splice site. In summary, the currently available evidence indicates that the variant is pathogenic, but additional data are needed to prove that conclusively. Therefore, this variant has been classified as Likely Pathogenic.

Literature cited by the submitters: PubMed 16199547; PubMed 22742743.

NM_001382.4(DPAGT1):c.282+1G>A

Genes: DPAGT1 (dolichyl-phosphate N-acetylglucosaminephosphotransferase 1; minus strand), LOC126861360 (BRD4-independent group 4 enhancer GRCh37_chr11:118972216-118973415; plus strand). Cytogenetic location: 11q23.3.
Variant type: single nucleotide variant.
Coding change: c.282+1G>A on transcript NM_001382.4 (MANE Select); the canonical splice donor site of the intron after coding-DNA position 282, G replaced by A.
Molecular consequence: splice donor variant.
Genome position (GRCh38, 1-based): chr11:119,101,017, C>T on the plus strand (G>A on the coding strand, the complement: DPAGT1 is on the minus strand). VCF-style: chr11-119101017-C-T. GRCh37 (hg19) VCF-style: chr11-118971727-C-T.
Identifiers: ClinVar variation 4786262 (VCV004786262.1).
Genomic context (GRCh38, chr11:119,101,017, plus strand): 5'-AGTTCTCTCAGGTACCTCCCAGGTCCCAGCCACAGGCAATCACCCCCACGAACCCACTTA[C>T]TTCATGGTGGGGGAATGCCTTACACTGCTCCTTCACAAAGCAGTTCAGGAAGGGGAAAGG-3'